The following is an entry in ClinVar:

ClinVar aggregate classification (germline): Likely benign (1 of 4 stars; one submission).

Allele frequency attached by ClinVar (database versions not stated): gnomAD exomes below 0.00001.
gnomAD v4.1: 1 of 1,580,856 alleles (0.000063%); highest among the groups gnomAD compares: South Asian, 0.0011%; no homozygotes.

Submission:

GeneDx
Classification: Likely benign. Last evaluated: 2017-03-14. Review status: criteria provided, single submitter. Criteria: GeneDx Variant Classification (06012015). Collection method: clinical testing. Allele origin: germline. Affected: yes.
Comment: This variant is considered likely benign or benign based on one or more of the following criteria: it is a conservative change, it occurs at a poorly conserved position in the protein, it is predicted to be benign by multiple in silico algorithms, and/or has population frequency not consistent with disease.

NM_006393.3(NEBL):c.1962+14T>G

Gene: NEBL (nebulette; minus strand). Cytogenetic location: 10p12.31.
Variant type: single nucleotide variant.
Coding change: c.1962+14T>G on transcript NM_006393.3 (MANE Select); 14 bases into the intron after coding-DNA position 1962, T replaced by G.
Molecular consequence: intron variant.
Genome position (GRCh38, 1-based): chr10:20,823,194, A>C on the plus strand (T>G on the coding strand, the complement: NEBL is on the minus strand). VCF-style: chr10-20823194-A-C. GRCh37 (hg19) VCF-style: chr10-21112123-A-C.
Other names: c.250-10254T>G (NM_001377326.1, NM_001377327.1, NM_001377328.1); c.358-10254T>G (NM_213569.2, NM_001173484.2, NM_001377322.1); c.301-10254T>G (NM_001377324.1); c.292-10254T>G (NM_001377325.1); c.310-10254T>G (NM_001377323.1).
Identifiers: ClinVar variation 508172 (VCV000508172.1), dbSNP rs1292029849, ClinGen allele CA591872454.
Genomic context (GRCh38, chr10:20,823,194, plus strand): 5'-GTACAGGTTTTATGCTGTCATTACGTGTTGATATACAATAAAATTTTTAAAAAATACTTA[A>C]GAAATATGATCACATTGCTGATGTTCTTCTGGTTTTCTTTAACTCTCTTTAGTTCTGGAG-3'